The following is an entry in ClinVar:

ClinVar aggregate classification (germline): Uncertain significance (1 of 4 stars; one submission).

Conditions:
Methylmalonic aciduria due to methylmalonyl-CoA mutase deficiency (MAMM). Also called: Methylmalonic aciduria, mut type. Identifiers: Orphanet 27, MedGen C1855114, MONDO:0009612, OMIM 251000.

Submission:

3billion
Classification: Uncertain significance for Methylmalonic aciduria due to methylmalonyl-CoA mutase deficiency. Last evaluated: 2024-08-19. Review status: criteria provided, single submitter. Criteria: ACMG Guidelines, 2015. Collection method: clinical testing. Allele origin: germline. Affected: yes.
Comment: The variant is not observed in the gnomAD v4.0.0 dataset. Predicted Consequence/Location: Missense variant In silico tool predictions suggest damaging effect of the variant on gene or gene product [REVEL: 0.96 (>=0.6, sensitivity 0.68 and specificity 0.92); 3Cnet: 0.97 (>=0.6, sensitivity 0.72 and precision 0.9)]. Different missense changes at the same codon (p.Gly130Ala) has been reported to be associated with MMUT related disorder (PMID: 34668645). However the evidence of pathogenicity is insufficient at this time. Therefore, this variant is classified as VUS according to the recommendation of ACMG/AMP guideline.

Literature cited by the submitters: PubMed 34668645.

NM_000255.4(MMUT):c.388G>T (p.Gly130Cys)

Gene: MMUT (methylmalonyl-CoA mutase; minus strand). Cytogenetic location: 6p12.3.
Variant type: single nucleotide variant.
Coding change: c.388G>T on transcript NM_000255.4 (MANE Select); coding-DNA position 388, G replaced by T.
Protein change: p.Gly130Cys; replaces glycine 130 with cysteine.
Molecular consequence: missense variant.
Genome position (GRCh38, 1-based): chr6:49,458,056, C>A on the plus strand (G>T on the coding strand, the complement: MMUT is on the minus strand). VCF-style: chr6-49458056-C-A. GRCh37 (hg19) VCF-style: chr6-49425769-C-A.
Other names: short protein forms G130C.
Identifiers: ClinVar variation 4292831 (VCV004292831.1).
Genomic context (GRCh38, chr6:49,458,056, plus strand): 5'-TGTCTGAATCATAGCCACGATGTGTCGCCAGATCAAAGGCAACTGATAATCCCTGCTGAC[C>A]AGCTAAATATATAAAGAAAAATAATGTAAGATTCAAGAGTCTGGAATCAAGGTAAAATGA-3'
Protein context (NP_000246.2, residues 120-140): NKFYKDNIKA[Gly130Cys]QQGLSVAFDL